The following is an entry in ClinVar:

NM_004006.3(DMD):c.1030del (p.Tyr344fs)

Gene: DMD (dystrophin; minus strand). Cytogenetic location: Xp21.1.
Variant type: Deletion.
Coding change: c.1030del on transcript NM_004006.3 (MANE Select); coding-DNA position 1030, one base deleted (T; older notation c.1030delT).
Protein change: p.Tyr344fs; shifts the reading frame from tyrosine 344.
Molecular consequence: frameshift variant.
Genome position (GRCh38, 1-based): chrX:32,645,083, A deleted on the plus strand (T on the coding strand, the reverse complement: DMD is on the minus strand); the first of 2 consecutive A bases (chrX:32,645,083-32,645,084); deleting either gives the same sequence. VCF-style (leftmost placement, unchanged base first): chrX-32645082-TA-T. GRCh37 (hg19) VCF-style: chrX-32663199-TA-T.
Other names: c.1006del, p.Tyr336fs (NM_000109.4); c.1018del, p.Tyr340fs (NM_004009.3); c.661del, p.Tyr221fs (NM_004010.3); c.1030delT (NM_004006.3); short protein forms Y221fs, Y336fs, Y340fs, Y344fs.
Identifiers: ClinVar variation 4879343 (VCV004879343.1).

ClinVar aggregate classification (germline): Likely pathogenic (1 of 4 stars; one submission).

Conditions:
Duchenne muscular dystrophy (DMD). Also called: Duchenne Muscular Dystrophy (DMD); MUSCULAR DYSTROPHY, PSEUDOHYPERTROPHIC PROGRESSIVE, DUCHENNE TYPE. Identifiers: Orphanet 98896, MedGen C0013264, MONDO:0010679, OMIM 310200.

Submission:

Genomic Diagnostics Laboratory, National Institute of Medical Genomics
Classification: Likely pathogenic for Duchenne muscular dystrophy. Review status: criteria provided, single submitter. Criteria: ACMG Guidelines, 2015. Collection method: research. Allele origin: germline. Affected: yes.
Comment: Protein domain: Rod